The following is an entry in ClinVar:

ClinVar aggregate classification (germline): Uncertain significance (1 of 4 stars; one submission).

Conditions:
Cranioectodermal dysplasia 1 (CED1). Also called: LEVIN SYNDROME I. Identifiers: Orphanet 1515, MedGen C0432235, MONDO:0021093, OMIM 218330.

gnomAD v4.1: 1 of 1,614,116 alleles (0.000062%); highest among the groups gnomAD compares: South Asian, 0.0011%; no homozygotes.

Submission:

Neuberg Centre For Genomic Medicine, NCGM
Classification: Uncertain significance for Cranioectodermal dysplasia 1. Review status: criteria provided, single submitter. Criteria: ACMG Guidelines, 2015. Collection method: clinical testing. Allele origin: germline. Inheritance: Autosomal recessive inheritance. Affected: yes.
Comment: The observed missense c.2162T>C(p.Leu721Pro) variant in IFT122 gene has not been reported previously as a pathogenic variant nor as a benign variant, to our knowledge. This variant is absent in gnomAD Exomes. The amino acid Leu at position 721 is changed to a Pro changing protein sequence and it might alter its composition and physico-chemical properties. The amino acid change p.Leu721Pro in IFT122 is predicted as conserved by GERP++ and PhyloP across 100 vertebrates. Computational evidence (Polyphen - Possibly Damaging, SIFT - Tolerated, and MutationTaster - Disease causing) predicts conflicting evidence on protein structure and function for this variant. For these reasons, this variant has been classified as Uncertain Significance.

NM_052989.3(IFT122):c.2162T>C (p.Leu721Pro)

Genes: IFT122 (intraflagellar transport 122; plus strand), LOC126806810 (CDK7 strongly-dependent group 2 enhancer GRCh37_chr3:129213542-129214741; plus strand). Cytogenetic location: 3q21.3.
Variant type: single nucleotide variant.
Coding change: c.2162T>C on transcript NM_052989.3 (MANE Select); coding-DNA position 2162, T replaced by C.
Protein change: p.Leu721Pro; replaces leucine 721 with proline.
Molecular consequence: missense variant.
Genome position (GRCh38, 1-based): chr3:129,495,561, T>C. VCF-style: chr3-129495561-T-C. GRCh37 (hg19) VCF-style: chr3-129214404-T-C.
Other names: c.2138T>C, p.Leu713Pro (NM_001280541.2); c.1712T>C, p.Leu571Pro (NM_001280545.2); c.1535T>C, p.Leu512Pro (NM_001280546.2); c.2162T>C, p.Leu721Pro (NM_001410808.1); c.2108T>C, p.Leu703Pro (NM_001410809.1); c.1985T>C, p.Leu662Pro (NM_001410810.1, NM_018262.4); c.1931T>C, p.Leu644Pro (NM_001410811.1, NM_001410813.1); c.1829T>C, p.Leu610Pro (NM_001410815.1, NM_052990.3); and 2 more; short protein forms L512P, L571P, L592P, L610P, L644P, L662P, L703P, L713P.
Identifiers: ClinVar variation 3362811 (VCV003362811.3).